The following is an entry in ClinVar:

NM_000416.3(IFNGR1):c.1177G>A (p.Ala393Thr)

Gene: IFNGR1 (interferon gamma receptor 1; minus strand). Cytogenetic location: 6q23.3.
Variant type: single nucleotide variant.
Coding change: c.1177G>A on transcript NM_000416.3 (MANE Select); coding-DNA position 1177, G replaced by A.
Protein change: p.Ala393Thr; replaces alanine 393 with threonine.
Molecular consequence: missense variant.
Genome position (GRCh38, 1-based): chr6:137,198,324, C>T on the plus strand (G>A on the coding strand, the complement: IFNGR1 is on the minus strand). VCF-style: chr6-137198324-C-T. GRCh37 (hg19) VCF-style: chr6-137519461-C-T.
Other names: c.1147G>A, p.Ala383Thr (NM_001363526.1); c.1054G>A, p.Ala352Thr (NM_001363527.1); short protein forms A352T, A383T, A393T.
Identifiers: ClinVar variation 3629117 (VCV003629117.3).

ClinVar aggregate classification (germline): Conflicting classifications of pathogenicity. Review status: criteria provided, conflicting classifications (1 of 4 stars). 2 submissions from 2 submitters: Uncertain significance (1); Likely benign (1). Last evaluated 2024-08-11.

Conditions:
Disseminated atypical mycobacterial infection. Identifiers: MedGen C0694566.

Submissions (2):

Labcorp Genetics (formerly Invitae), Labcorp
Classification: Uncertain significance for Disseminated atypical mycobacterial infection. Last evaluated: 2024-08-11. Review status: criteria provided, single submitter. Criteria: Invitae Variant Classification Sherloc (09022015). Collection method: clinical testing. Allele origin: germline.
Comment: This sequence change replaces alanine, which is neutral and non-polar, with threonine, which is neutral and polar, at codon 393 of the IFNGR1 protein (p.Ala393Thr). This variant is not present in population databases (gnomAD no frequency). This variant has not been reported in the literature in individuals affected with IFNGR1-related conditions. Advanced modeling of protein sequence and biophysical properties (such as structural, functional, and spatial information, amino acid conservation, physicochemical variation, residue mobility, and thermodynamic stability) performed at Invitae indicates that this missense variant is not expected to disrupt IFNGR1 protein function with a negative predictive value of 80%. In summary, the available evidence is currently insufficient to determine the role of this variant in disease. Therefore, it has been classified as a Variant of Uncertain Significance.

Blueprint Genetics
Classification: Likely benign. Last evaluated: 2023-10-18. Review status: criteria provided, single submitter. Criteria: ACMG Guidelines, 2015. Collection method: clinical testing. Allele origin: germline.